The following is an entry in ClinVar:

ClinVar aggregate classification (germline): Likely pathogenic (1 of 4 stars; one submission).

Conditions:
Odonto-onycho-dermal dysplasia. Identifiers: Orphanet 2721, MedGen C0796093, MONDO:0009773, OMIM 257980.
Tooth agenesis, selective, 4 (STHAG4). Also called: LATERAL INCISORS, ABSENCE OF; LATERAL INCISORS, PEGGED OR MISSING; SUCCEDANEOUS TEETH, AGENESIS OF; TOOTH AGENESIS, SELECTIVE, 4, WITH OR WITHOUT ECTODERMAL DYSPLASIA. Identifiers: Orphanet 99798, MedGen C1835492, MONDO:0007881, OMIM 150400. Disease mechanism: loss of function.

Allele frequency attached by ClinVar (database versions not stated): ExAC 0.00002; gnomAD 0.00004; TOPMed 0.00006; ESP Exome Variant Server 0.00008; gnomAD exomes 0.00008.

Submission:

Labcorp Genetics (formerly Invitae), Labcorp
Classification: Likely pathogenic for Tooth agenesis, selective, 4; Odonto-onycho-dermal dysplasia. Last evaluated: 2024-01-13. Review status: criteria provided, single submitter. Criteria: Invitae Variant Classification Sherloc (09022015). Collection method: clinical testing. Allele origin: germline.
Comment: This sequence change replaces glycine, which is neutral and non-polar, with valine, which is neutral and non-polar, at codon 221 of the WNT10A protein (p.Gly221Val). This variant is present in population databases (rs373870453, gnomAD 0.007%). This variant has not been reported in the literature in individuals affected with WNT10A-related conditions. ClinVar contains an entry for this variant (Variation ID: 2049809). Advanced modeling of protein sequence and biophysical properties (such as structural, functional, and spatial information, amino acid conservation, physicochemical variation, residue mobility, and thermodynamic stability) performed at Invitae indicates that this missense variant is expected to disrupt WNT10A protein function with a positive predictive value of 80%. This variant disrupts the p.Gly221 amino acid residue in WNT10A. Other variant(s) that disrupt this residue have been determined to be pathogenic (Invitae). This suggests that this residue is clinically significant, and that variants that disrupt this residue are likely to be disease-causing. In summary, the currently available evidence indicates that the variant is pathogenic, but additional data are needed to prove that conclusively. Therefore, this variant has been classified as Likely Pathogenic.

NM_025216.3(WNT10A):c.662G>T (p.Gly221Val)

Gene: WNT10A (Wnt family member 10A; plus strand). Cytogenetic location: 2q35.
Variant type: single nucleotide variant.
Coding change: c.662G>T on transcript NM_025216.3 (MANE Select); coding-DNA position 662, G replaced by T.
Protein change: p.Gly221Val; replaces glycine 221 with valine.
Molecular consequence: missense variant.
Genome position (GRCh38, 1-based): chr2:218,890,269, G>T. VCF-style: chr2-218890269-G-T. GRCh37 (hg19) VCF-style: chr2-219754991-G-T.
Other names: short protein forms G221V.
Identifiers: ClinVar variation 2049809 (VCV002049809.2), dbSNP rs373870453, ClinGen allele CA2113991.